The following is an entry in ClinVar:

NM_002907.4(RECQL):c.1946C>A (p.Ala649Asp)

Genes: PYROXD1 (pyridine nucleotide-disulphide oxidoreductase domain 1; plus strand), RECQL (RecQ like helicase; minus strand). Cytogenetic location: 12p12.1.
Variant type: single nucleotide variant.
Coding change: c.1946C>A on transcript NM_002907.4 (MANE Select); coding-DNA position 1946, C replaced by A.
Protein change: p.Ala649Asp; replaces alanine 649 with aspartic acid.
Molecular consequence: missense variant. On other transcripts: 3 prime UTR variant (3).
Genome position (GRCh38, 1-based): chr12:21,470,198, G>T on the plus strand (C>A on the coding strand, the complement: RECQL is on the minus strand). VCF-style: chr12-21470198-G-T. GRCh37 (hg19) VCF-style: chr12-21623132-G-T.
Other names: c.1946C>A, p.Ala649Asp (NM_032941.3); c.*1444G>T (NM_001350912.2, NM_001350913.2, NM_024854.5); short protein forms A649D.
Identifiers: ClinVar variation 3787894 (VCV003787894.1).

ClinVar aggregate classification (germline): Uncertain significance (1 of 4 stars; one submission).

Submission:

Ambry Genetics
Classification: Uncertain significance. Last evaluated: 2025-01-17. Review status: criteria provided, single submitter. Criteria: Ambry Variant Classification Scheme 2023. Collection method: clinical testing. Allele origin: germline.
Comment: The p.A649D variant (also known as c.1946C>A), located in coding exon 14 of the RECQL gene, results from a C to A substitution at nucleotide position 1946. The alanine at codon 649 is replaced by aspartic acid, an amino acid with dissimilar properties. This amino acid position is conserved. In addition, this alteration is predicted to be tolerated by in silico analysis. Based on the available evidence, the clinical significance of this variant remains unclear.